The following is an entry in ClinVar:

NM_012281.3(KCND2):c.686TCT[1] (p.Phe230del)

Gene: KCND2 (potassium voltage-gated channel subfamily D member 2; plus strand). Cytogenetic location: 7q31.31.
Variant type: Microsatellite.
Coding change: c.686TCT[1] on transcript NM_012281.3 (MANE Select); one copy of the 3-base unit TCT starting at c.686; the reference has two copies in a row; one copy, 3 bases deleted.
Protein change: p.Phe230del; deletes phenylalanine 230.
Genome position (GRCh38, 1-based): chr7:120,275,321-120,275,323, TCT deleted; deleting any 3 consecutive bases within chr7:120,275,316-120,275,323 gives the same sequence; the position shown is the placement nearest the transcript's 3' end. VCF-style (leftmost placement, unchanged base first): chr7-120275315-CCTT-C. GRCh37 (hg19) VCF-style: chr7-119915369-CCTT-C.
Other names: short protein forms F230del.
Identifiers: ClinVar variation 3699182 (VCV003699182.2).

ClinVar aggregate classification (germline): Uncertain significance (1 of 4 stars; one submission).

Conditions:
Early Myoclonic Encephalopathy. Identifiers: MedGen C0270855.

Submission:

Labcorp Genetics (formerly Invitae), Labcorp
Classification: Uncertain significance for Early Myoclonic Encephalopathy. Last evaluated: 2024-09-27. Review status: criteria provided, single submitter. Criteria: Invitae Variant Classification Sherloc (09022015). Collection method: clinical testing. Allele origin: germline.
Comment: This variant, c.689_691del, results in the deletion of 1 amino acid(s) of the KCND2 protein (p.Phe230del), but otherwise preserves the integrity of the reading frame. This variant is not present in population databases (gnomAD no frequency). This variant has not been reported in the literature in individuals affected with KCND2-related conditions. Experimental studies and prediction algorithms are not available or were not evaluated, and the functional significance of this variant is currently unknown. In summary, the available evidence is currently insufficient to determine the role of this variant in disease. Therefore, it has been classified as a Variant of Uncertain Significance.